The following is an entry in ClinVar:

NM_000038.6(APC):c.7346G>T (p.Ser2449Ile)

Gene: APC (APC regulator of Wnt signaling pathway; plus strand). Cytogenetic location: 5q22.2.
Variant type: single nucleotide variant.
Coding change: c.7346G>T on transcript NM_000038.6 (MANE Select); coding-DNA position 7346, G replaced by T.
Protein change: p.Ser2449Ile; replaces serine 2449 with isoleucine.
Molecular consequence: missense variant.
Genome position (GRCh38, 1-based): chr5:112,842,940, G>T. VCF-style: chr5-112842940-G-T. GRCh37 (hg19) VCF-style: chr5-112178637-G-T.
Other names: c.7346G>T, p.Ser2449Ile (NM_001127510.3, NM_001354895.2, NM_001407450.1); c.7292G>T, p.Ser2431Ile (NM_001127511.3); c.7400G>T, p.Ser2467Ile (NM_001354896.2, NM_001407447.1, NM_001407448.1 and 1 more transcripts); c.7376G>T, p.Ser2459Ile (NM_001354897.2); c.7271G>T, p.Ser2424Ile (NM_001354898.2); c.7262G>T, p.Ser2421Ile (NM_001354899.2); c.7223G>T, p.Ser2408Ile (NM_001354900.2); c.7169G>T, p.Ser2390Ile (NM_001354901.2, NM_001407453.1); and 11 more; short protein forms S2065I, S2166I, S2289I, S2320I, S2323I, S2348I, S2358I, S2366I.
Identifiers: ClinVar variation 3635512 (VCV003635512.2).

ClinVar aggregate classification (germline): Uncertain significance (1 of 4 stars; one submission).

Conditions:
Familial adenomatous polyposis 1 (FAP1). Also called: FAMILIAL ADENOMATOUS POLYPOSIS 1, ATTENUATED; POLYPOSIS, ADENOMATOUS INTESTINAL. Identifiers: MedGen C2713442, MONDO:0021056, OMIM 175100. Disease mechanism: loss of function.

Submission:

Labcorp Genetics (formerly Invitae), Labcorp
Classification: Uncertain significance for Familial adenomatous polyposis 1. Last evaluated: 2024-09-10. Review status: criteria provided, single submitter. Criteria: Invitae Variant Classification Sherloc (09022015). Collection method: clinical testing. Allele origin: germline.
Comment: This sequence change replaces serine, which is neutral and polar, with isoleucine, which is neutral and non-polar, at codon 2449 of the APC protein (p.Ser2449Ile). This variant is not present in population databases (gnomAD no frequency). This variant has not been reported in the literature in individuals affected with APC-related conditions. Invitae Evidence Modeling of protein sequence and biophysical properties (such as structural, functional, and spatial information, amino acid conservation, physicochemical variation, residue mobility, and thermodynamic stability) indicates that this missense variant is not expected to disrupt APC protein function with a negative predictive value of 95%. In summary, the available evidence is currently insufficient to determine the role of this variant in disease. Therefore, it has been classified as a Variant of Uncertain Significance.